The following is an entry in ClinVar:

NM_014806.5(RUSC2):c.2150C>T (p.Ser717Phe)

Gene: RUSC2 (RUN and SH3 domain containing 2; plus strand). Cytogenetic location: 9p13.3.
Variant type: single nucleotide variant.
Coding change: c.2150C>T on transcript NM_014806.5 (MANE Select); coding-DNA position 2150, C replaced by T.
Protein change: p.Ser717Phe; replaces serine 717 with phenylalanine.
Molecular consequence: missense variant. On other transcripts: 5 prime UTR variant (1), non-coding transcript variant (1).
Genome position (GRCh38, 1-based): chr9:35,555,195, C>T. VCF-style: chr9-35555195-C-T. GRCh37 (hg19) VCF-style: chr9-35555192-C-T.
Other names: c.2150C>T, p.Ser717Phe (NM_001135999.2); c.-485C>T (NM_001330740.2); c.2150C>T (NM_001135999.1); short protein forms S717F.
Identifiers: ClinVar variation 1503392 (VCV001503392.4), dbSNP rs769746982, ClinGen allele CA5043811.

ClinVar aggregate classification (germline): Uncertain significance. Review status: criteria provided, multiple submitters, no conflicts (2 of 4 stars). 2 submissions from 2 submitters: Uncertain significance (2). Last evaluated 2025-09-28.

Allele frequency attached by ClinVar (database versions not stated): gnomAD exomes below 0.00001; ExAC 0.00001; gnomAD 0.00001; TOPMed 0.00001.
gnomAD v4.1: 4 of 1,613,376 alleles (0.00025%); highest among the groups gnomAD compares: Non-Finnish European, 0.00034%; no homozygotes.

Submissions (2):

Ambry Genetics
Classification: Uncertain significance. Last evaluated: 2025-09-28. Review status: criteria provided, single submitter. Criteria: Ambry Variant Classification Scheme 2023. Collection method: clinical testing. Allele origin: germline.

Labcorp Genetics (formerly Invitae), Labcorp
Classification: Uncertain significance. Last evaluated: 2022-09-07. Review status: criteria provided, single submitter. Criteria: Invitae Variant Classification Sherloc (09022015). Collection method: clinical testing. Allele origin: germline.
Comment: This sequence change replaces serine, which is neutral and polar, with phenylalanine, which is neutral and non-polar, at codon 717 of the RUSC2 protein (p.Ser717Phe). This variant is present in population databases (rs769746982, gnomAD 0.0009%). This variant has not been reported in the literature in individuals affected with RUSC2-related conditions. ClinVar contains an entry for this variant (Variation ID: 1503392). Algorithms developed to predict the effect of missense changes on protein structure and function are either unavailable or do not agree on the potential impact of this missense change (SIFT: "Deleterious"; PolyPhen-2: "Benign"; Align-GVGD: "Class C65"). In summary, the available evidence is currently insufficient to determine the role of this variant in disease. Therefore, it has been classified as a Variant of Uncertain Significance.